The following is an entry in ClinVar:

NM_000330.4(RS1):c.37C>A (p.Leu13Ile)

Gene: RS1 (retinoschisin 1; minus strand). Cytogenetic location: Xp22.13.
Variant type: single nucleotide variant.
Coding change: c.37C>A on transcript NM_000330.4 (MANE Select); coding-DNA position 37, C replaced by A.
Protein change: p.Leu13Ile; replaces leucine 13 with isoleucine.
Molecular consequence: missense variant.
Genome position (GRCh38, 1-based): chrX:18,672,032, G>T on the plus strand (C>A on the coding strand, the complement: RS1 is on the minus strand). VCF-style: chrX-18672032-G-T. GRCh37 (hg19) VCF-style: chrX-18690152-G-T.
Other names: NM_000330.4:c.37C>A; short protein forms L13I.
Identifiers: ClinVar variation 4279578 (VCV004279578.1).

ClinVar aggregate classification (germline): Uncertain significance (3 of 4 stars; one submission).

Conditions:
Juvenile retinoschisis (RS1). Also called: X-linked retinoschisis; X-Linked Juvenile Retinoschisis. Identifiers: Orphanet 792, MedGen C3714753, MONDO:0010725, OMIM 312700.

gnomAD v4.1: 2 of 1,210,357 alleles (0.00017%); highest among the groups gnomAD compares: Non-Finnish European, 0.00011%; no homozygotes.

Submission:

ClinGen X-linked Inherited Retinal Disease Variant Curation Expert Panel, ClinGen
Classification: Uncertain significance for Juvenile retinoschisis. Last evaluated: 2025-09-23. Review status: reviewed by expert panel. Criteria: ClinGen X LinkedIRD ACMG Specifications RS1 V1.0.0. Collection method: curation. Allele origin: germline. Inheritance: X-linked inheritance.
Comment: NM_000330.4(RS1):c.37C>A (p.Leu13Ile) is a missense variant encoding the substitution of leucine with isoleucine at position 13. This variant is absent from hemizygous individuals in gnomAD v4.1.0 (PM2_Supporting). The computational predictor REVEL gives a score of 0.474, which is below the ClinGen X-linked IRD VCEP PP3 threshold of >0.664 and above the BP4 threshold of <0.290 and does not predict a damaging effect on RS1 function. The splicing impact predictor SpliceAI gives a score of 0.01 for donor loss, which is below the ClinGen X-linked IRD VCEP recommended threshold of ≥0.2 and does not strongly predict an impact on splicing, so neither PP3 nor BP4 is met. In summary, this variant is classified as a variant of uncertain significance for X-linked retinoschisis based on the ClinGen X-linked Inherited Retinal Disease Expert Panel Specifications to the ACMG/AMP Variant Interpretation Guidelines for RS1 Version 1.0.0: PM2_Supporting.